The following is an entry in ClinVar:

ClinVar aggregate classification (germline): Uncertain significance (1 of 4 stars; one submission).

Conditions:
Charcot-Marie-Tooth disease type 2. Also called: Charcot-Marie-Tooth type 2. Identifiers: Orphanet 64746, MedGen C0270914, MONDO:0018993.

Submission:

Labcorp Genetics (formerly Invitae), Labcorp
Classification: Uncertain significance for Charcot-Marie-Tooth disease type 2. Last evaluated: 2022-06-28. Review status: criteria provided, single submitter. Criteria: Invitae Variant Classification Sherloc (09022015). Collection method: clinical testing. Allele origin: germline.
Comment: This variant is not present in population databases (gnomAD no frequency). This sequence change replaces alanine, which is neutral and non-polar, with proline, which is neutral and non-polar, at codon 955 of the AARS protein (p.Ala955Pro). This variant has not been reported in the literature in individuals affected with AARS-related conditions. Algorithms developed to predict the effect of missense changes on protein structure and function are either unavailable or do not agree on the potential impact of this missense change (SIFT: "Tolerated"; PolyPhen-2: "Possibly Damaging"; Align-GVGD: "Class C0"). In summary, the available evidence is currently insufficient to determine the role of this variant in disease. Therefore, it has been classified as a Variant of Uncertain Significance.

NM_001605.3(AARS1):c.2863G>C (p.Ala955Pro)

Gene: AARS1 (alanyl-tRNA synthetase 1; minus strand). Cytogenetic location: 16q22.1.
Variant type: single nucleotide variant.
Coding change: c.2863G>C on transcript NM_001605.3 (MANE Select); coding-DNA position 2863, G replaced by C.
Protein change: p.Ala955Pro; replaces alanine 955 with proline.
Molecular consequence: missense variant.
Genome position (GRCh38, 1-based): chr16:70,252,765, C>G on the plus strand (G>C on the coding strand, the complement: AARS1 is on the minus strand). VCF-style: chr16-70252765-C-G. GRCh37 (hg19) VCF-style: chr16-70286668-C-G.
Other names: short protein forms A955P.
Identifiers: ClinVar variation 1984663 (VCV001984663.4), dbSNP rs2506986576, ClinGen allele CA396553583.